The following is an entry in ClinVar:

ClinVar aggregate classification (germline): Pathogenic (1 of 4 stars; one submission).

Submission:

GeneDx
Classification: Pathogenic. Last evaluated: 2018-10-24. Review status: criteria provided, single submitter. Criteria: GeneDx Variant Classification (06012015). Collection method: clinical testing. Allele origin: germline. Affected: yes.
Comment: The c.3889delA variant in the MED13 gene has not been reported previously as a pathogenic variant nor as a benign variant, to our knowledge. This variant causes a frameshift starting with codon Arginine 1297, changes this amino acid to a Glutamic Acid residue, and creates a premature Stop codon at position 3 of the new reading frame, denoted p.Arg1297GlufsX3. This variant is predicted to cause loss of normal protein function either through protein truncation or nonsense-mediated mRNA decay. The c.3889delA variant is not observed in large population cohorts (Lek et al., 2016). We interpret c.3889delA as a pathogenic variant.

NM_005121.3(MED13):c.3889del (p.Arg1297fs)

Gene: MED13 (mediator complex subunit 13; minus strand). Cytogenetic location: 17q23.2.
Variant type: Deletion.
Coding change: c.3889del on transcript NM_005121.3 (MANE Select); coding-DNA position 3889, one base deleted (A; older notation c.3889delA).
Protein change: p.Arg1297fs; shifts the reading frame from arginine 1297.
Molecular consequence: frameshift variant.
Genome position (GRCh38, 1-based): chr17:61,972,805, T deleted on the plus strand (A on the coding strand, the reverse complement: MED13 is on the minus strand); the first of 7 consecutive T bases (chr17:61,972,805-61,972,811); deleting any one gives the same sequence. VCF-style (leftmost placement, unchanged base first): chr17-61972804-CT-C. GRCh37 (hg19) VCF-style: chr17-60050165-CT-C.
Other names: short protein forms R1297fs.
Identifiers: ClinVar variation 817887 (VCV000817887.1), dbSNP rs1603394630, ClinGen allele CA645590957.